The following is an entry in ClinVar:

NM_001250.6(CD40):c.469G>A (p.Ala157Thr)

Gene: CD40 (CD40 molecule; plus strand). Cytogenetic location: 20q13.12.
Variant type: single nucleotide variant.
Coding change: c.469G>A on transcript NM_001250.6 (MANE Select); coding-DNA position 469, G replaced by A.
Protein change: p.Ala157Thr; replaces alanine 157 with threonine.
Molecular consequence: missense variant. On other transcripts: intron variant (1).
Genome position (GRCh38, 1-based): chr20:46,123,191, G>A. VCF-style: chr20-46123191-G-A. GRCh37 (hg19) VCF-style: chr20-44751830-G-A.
Other names: c.469G>A, p.Ala157Thr (NM_001302753.2, NM_001322421.2, NM_001362758.2 and 1 more transcripts); c.403+435G>A (NM_001322422.2); short protein forms A157T.
Identifiers: ClinVar variation 1362326 (VCV001362326.3), dbSNP rs777145547, ClinGen allele CA9888490.

ClinVar aggregate classification (germline): Uncertain significance (1 of 4 stars; one submission).

Allele frequency attached by ClinVar (database versions not stated): gnomAD exomes below 0.00001; TOPMed below 0.00001; ExAC 0.00001.
gnomAD v4.1: 3 of 1,614,146 alleles (0.00019%); highest among the groups gnomAD compares: Non-Finnish European, 0.00017%; no homozygotes.

Submission:

Labcorp Genetics (formerly Invitae), Labcorp
Classification: Uncertain significance. Last evaluated: 2022-10-13. Review status: criteria provided, single submitter. Criteria: Invitae Variant Classification Sherloc (09022015). Collection method: clinical testing. Allele origin: germline.
Comment: This sequence change replaces alanine, which is neutral and non-polar, with threonine, which is neutral and polar, at codon 157 of the CD40 protein (p.Ala157Thr). This variant is present in population databases (rs777145547, gnomAD no frequency). This variant has not been reported in the literature in individuals affected with CD40-related conditions. ClinVar contains an entry for this variant (Variation ID: 1362326). Advanced modeling of protein sequence and biophysical properties (such as structural, functional, and spatial information, amino acid conservation, physicochemical variation, residue mobility, and thermodynamic stability) performed at Invitae indicates that this missense variant is not expected to disrupt CD40 protein function. In summary, the available evidence is currently insufficient to determine the role of this variant in disease. Therefore, it has been classified as a Variant of Uncertain Significance.